The following is an entry in ClinVar:

ClinVar aggregate classification (germline): Pathogenic/Likely pathogenic. Review status: criteria provided, multiple submitters, no conflicts (2 of 4 stars). 3 submissions from 3 submitters: Pathogenic (2); Likely pathogenic (1). Last evaluated 2026-07-20.

Conditions:
Retinitis pigmentosa 25 (RP25). Identifiers: Orphanet 791, MedGen C1864446, MONDO:0011272, OMIM 602772.

Submissions (3):

Myriad Genetics, Inc.
Classification: Pathogenic for Retinitis pigmentosa 25. Last evaluated: 2026-07-20. Review status: criteria provided, single submitter. Criteria: Myriad Autosomal Dominant, Autosomal Recessive and X-Linked Classification Criteria (2023). Collection method: clinical testing. Allele origin: unknown.
Comment: NM_001142800.1(EYS):c.9368delA(N3123Tfs*4) is a frameshift variant classified as pathogenic in the context of retinitis pigmentosa, EYS-related. N3123Tfs*4 has been observed in cases with relevant disease (PMID: 20333770, 34721897). Relevant functional assessments of this variant are not available in the literature. N3123Tfs*4 has not been observed in referenced population frequency databases. In summary, NM_001142800.1(EYS):c.9368delA(N3123Tfs*4) is a frameshift variant that has been observed more frequently in cases with the relevant disease than in healthy populations. Please note: this variant was assessed in the context of healthy population screening.

Labcorp Genetics (formerly Invitae), Labcorp
Classification: Pathogenic. Last evaluated: 2023-09-10. Review status: criteria provided, single submitter. Criteria: Invitae Variant Classification Sherloc (09022015). Collection method: clinical testing. Allele origin: germline.
Comment: ClinVar contains an entry for this variant (Variation ID: 1678630). This premature translational stop signal has been observed in individual(s) with retinitis pigmentosa (PMID: 31144483, 33946315). This variant is not present in population databases (gnomAD no frequency). This sequence change creates a premature translational stop signal (p.Asn3123Thrfs*4) in the EYS gene. While this is not anticipated to result in nonsense mediated decay, it is expected to disrupt the last 22 amino acid(s) of the EYS protein. This variant disrupts a region of the EYS protein in which other variant(s) (p.Tyr3135*) have been determined to be pathogenic (PMID: 18976725, 29159838, 30337596, 31074760). This suggests that this is a clinically significant region of the protein, and that variants that disrupt it are likely to be disease-causing. For these reasons, this variant has been classified as Pathogenic.

Molecular Genetics, Royal Melbourne Hospital
Classification: Likely pathogenic for Retinitis pigmentosa 25. Last evaluated: 2020-11-30. Review status: criteria provided, single submitter. Criteria: ACMG Guidelines, 2015. Collection method: clinical testing. Allele origin: germline. Affected: yes.
Comment: This sequence change is a deletion of 1 bp in exon 43 (of 43) of EYS that is predicted to create a premature termination codon at position 3126 (p.Asn3123Thrfs*4). While this is not anticipated to result in nonsense mediated decay, it is expected to remove the last 18 amino acids in the last laminin A G-like domain. The presence of a likely pathogenic variant downstream (p.Tyr3135*; PMID: 18976725), and a drosophila with partial loss of the equivalent domain with a strong mutant phenotype (PMID: 17011488), suggests that the truncated region is critical for protein function (PVS1_Strong). The variant is absent in genomes from a large population cohort (gnomAD v2.1 - PM2). Based on the classification scheme RMH ACMG Guidelines v1.1.1, this variant is classified as LIKELY PATHOGENIC. Following criteria are met: PVS1_Strong, PM2, PM3_Supporting.

Literature cited by the submitters: PubMed 20333770 (cited by Myriad Genetics, Inc.); PubMed 34721897 (cited by Myriad Genetics, Inc.); PubMed 31144483 (cited by Labcorp Genetics (formerly Invitae), Labcorp and Molecular Genetics, Royal Melbourne Hospital); PubMed 33946315 (cited by Labcorp Genetics (formerly Invitae), Labcorp); PubMed 18976725 (cited by Labcorp Genetics (formerly Invitae), Labcorp and Molecular Genetics, Royal Melbourne Hospital); PubMed 29159838 (cited by Labcorp Genetics (formerly Invitae), Labcorp); PubMed 30337596 (cited by Labcorp Genetics (formerly Invitae), Labcorp); PubMed 31074760 (cited by Labcorp Genetics (formerly Invitae), Labcorp); PubMed 17011488 (cited by Molecular Genetics, Royal Melbourne Hospital).

NM_001142800.2(EYS):c.9368del (p.Asn3123fs)

Genes: EYS (EGF-like photoreceptor maintenance factor; minus strand), PHF3 (PHD finger protein 3; plus strand). Cytogenetic location: 6q12.
Variant type: Deletion.
Coding change: c.9368del on transcript NM_001142800.2 (MANE Select); coding-DNA position 9368, one base deleted (A; older notation c.9368delA).
Protein change: p.Asn3123fs; shifts the reading frame from asparagine 3123.
Molecular consequence: frameshift variant. On other transcripts: 3 prime UTR variant (5).
Genome position (GRCh38, 1-based): chr6:63,720,663, T deleted on the plus strand (A on the coding strand, the reverse complement: EYS is on the minus strand); the first of 6 consecutive T bases (chr6:63,720,663-63,720,668); deleting any one gives the same sequence. VCF-style (leftmost placement, unchanged base first): chr6-63720662-GT-G. GRCh37 (hg19) VCF-style: chr6-64430558-GT-G.
Other names: c.9368delA (NM_001142800.2); c.*6960del (NM_001290259.2, NM_001370348.2, NM_001370349.2 and 2 more transcripts); c.9431del, p.Asn3144fs (NM_001292009.2); short protein forms N3123fs, N3144fs.
Identifiers: ClinVar variation 1678630 (VCV001678630.6), dbSNP rs1768339358, ClinGen allele CA1139532716.